The following is an entry in ClinVar:

ClinVar aggregate classification (germline): Conflicting classifications of pathogenicity. Review status: criteria provided, conflicting classifications (1 of 4 stars). 3 submissions from 3 submitters: Uncertain significance (2); Likely benign (1). Last evaluated 2025-04-17.

Conditions:
Familial thoracic aortic aneurysm and aortic dissection (TAAD). Also called: Thoracic aortic aneurysms and dissections. Identifiers: Orphanet 91387, MedGen C4707243, MONDO:0019625.
Congenital contractural arachnodactyly (CCA). Also called: BEALS SYNDROME; Arthrogryposis, distal, type 9; Beals-Hecht syndrome. Identifiers: Orphanet 115, MedGen C0220668, MONDO:0007363, OMIM 121050.

Allele frequency attached by ClinVar (database versions not stated): gnomAD 0.00001; gnomAD exomes 0.00001; TOPMed 0.00001; ExAC 0.00002.
gnomAD v4.1: 8 of 1,613,062 alleles (0.0005%); highest among the groups gnomAD compares: East Asian, 0.0089%; no homozygotes.

Submissions (3):

Women's Health and Genetics/Laboratory Corporation of America, LabCorp
Classification: Uncertain significance. Last evaluated: 2025-04-17. Review status: criteria provided, single submitter. Criteria: LabCorp Variant Classification Summary - May 2015. Collection method: clinical testing. Allele origin: germline.

Labcorp Genetics (formerly Invitae), Labcorp
Classification: Likely benign for Congenital contractural arachnodactyly. Last evaluated: 2024-06-18. Review status: criteria provided, single submitter. Criteria: Invitae Variant Classification Sherloc (09022015). Collection method: clinical testing. Allele origin: germline.

Ambry Genetics
Classification: Uncertain significance for Familial thoracic aortic aneurysm and aortic dissection. Last evaluated: 2022-04-29. Review status: criteria provided, single submitter. Criteria: Ambry Variant Classification Scheme 2023. Collection method: clinical testing. Allele origin: germline.
Comment: The p.N781S variant (also known as c.2342A>G), located in coding exon 18 of the FBN2 gene, results from an A to G substitution at nucleotide position 2342. The asparagine at codon 781 is replaced by serine, an amino acid with highly similar properties. This amino acid position is highly conserved in available vertebrate species. In addition, the in silico prediction for this alteration is inconclusive. Since supporting evidence is limited at this time, the clinical significance of this alteration remains unclear.

Literature cited by the submitters: PubMed 31506931 (cited by Ambry Genetics).

NM_001999.4(FBN2):c.2342A>G (p.Asn781Ser)

Gene: FBN2 (fibrillin 2; minus strand). Cytogenetic location: 5q23.3.
Variant type: single nucleotide variant.
Coding change: c.2342A>G on transcript NM_001999.4 (MANE Select); coding-DNA position 2342, A replaced by G.
Protein change: p.Asn781Ser; replaces asparagine 781 with serine.
Molecular consequence: missense variant.
Genome position (GRCh38, 1-based): chr5:128,364,686, T>C on the plus strand (A>G on the coding strand, the complement: FBN2 is on the minus strand). VCF-style: chr5-128364686-T-C. GRCh37 (hg19) VCF-style: chr5-127700379-T-C.
Other names: short protein forms N781S.
Identifiers: ClinVar variation 1789881 (VCV001789881.6), dbSNP rs768485269, ClinGen allele CA3395575.